The following is an entry in ClinVar:

NM_004526.4(MCM2):c.1500C>G (p.Phe500Leu)

Gene: MCM2 (minichromosome maintenance complex component 2; plus strand). Cytogenetic location: 3q21.3.
Variant type: single nucleotide variant.
Coding change: c.1500C>G on transcript NM_004526.4 (MANE Select); coding-DNA position 1500, C replaced by G.
Protein change: p.Phe500Leu; replaces phenylalanine 500 with leucine.
Molecular consequence: missense variant. On other transcripts: non-coding transcript variant (1).
Genome position (GRCh38, 1-based): chr3:127,615,933, C>G. VCF-style: chr3-127615933-C-G. GRCh37 (hg19) VCF-style: chr3-127334776-C-G.
Other names: short protein forms F500L.
Identifiers: ClinVar variation 4762973 (VCV004762973.1).

ClinVar aggregate classification (germline): Uncertain significance (1 of 4 stars; one submission).

Submission:

Labcorp Genetics (formerly Invitae), Labcorp
Classification: Uncertain significance. Last evaluated: 2025-12-02. Review status: criteria provided, single submitter. Criteria: Invitae Variant Classification Sherloc (09022015). Collection method: clinical testing. Allele origin: germline.
Comment: This sequence change replaces phenylalanine, which is neutral and non-polar, with leucine, which is neutral and non-polar, at codon 500 of the MCM2 protein (p.Phe500Leu). This variant is not present in population databases (gnomAD no frequency). This variant has not been reported in the literature in individuals affected with MCM2-related conditions. Invitae Evidence Modeling of protein sequence and biophysical properties (such as structural, functional, and spatial information, amino acid conservation, physicochemical variation, residue mobility, and thermodynamic stability) indicates that this missense variant is not expected to disrupt MCM2 protein function with a negative predictive value of 80%. In summary, the available evidence is currently insufficient to determine the role of this variant in disease. Therefore, it has been classified as a Variant of Uncertain Significance.